The following is an entry in ClinVar:

ClinVar aggregate classification (germline): Uncertain significance (1 of 4 stars; one submission).

Submission:

Labcorp Genetics (formerly Invitae), Labcorp
Classification: Uncertain significance. Last evaluated: 2025-09-28. Review status: criteria provided, single submitter. Criteria: Invitae Variant Classification Sherloc (09022015). Collection method: clinical testing. Allele origin: germline.
Comment: This sequence change falls in intron 99 of the COL7A1 gene. It does not directly change the encoded amino acid sequence of the COL7A1 protein. This variant is not present in population databases (gnomAD no frequency). This variant has not been reported in the literature in individuals affected with COL7A1-related conditions. Algorithms developed to predict the effect of sequence changes on RNA splicing suggest that this variant may disrupt the consensus splice site. In summary, the available evidence is currently insufficient to determine the role of this variant in disease. Therefore, it has been classified as a Variant of Uncertain Significance.

NM_000094.4(COL7A1):c.7522-17_7522-16del

Gene: COL7A1 (collagen type VII alpha 1 chain; minus strand). Cytogenetic location: 3p21.31.
Variant type: Microsatellite.
Coding change: c.7522-17_7522-16del on transcript NM_000094.4 (MANE Select); 17 bases into the intron before coding-DNA position 7522 through 16 bases into the intron before coding-DNA position 7522, 2 bases deleted (AC; older notation c.7522-17_7522-16delAC).
Molecular consequence: intron variant.
Genome position (GRCh38, 1-based): chr3:48,569,776-48,569,777, GT deleted on the plus strand (AC on the coding strand, the reverse complement: COL7A1 is on the minus strand); deleting any 2 consecutive bases within chr3:48,569,776-48,569,780 gives the same sequence; the c. name uses the placement nearest the transcript's 3' end. VCF-style (leftmost placement, unchanged base first): chr3-48569775-AGT-A. GRCh37 (hg19) VCF-style: chr3-48607208-AGT-A.
Identifiers: ClinVar variation 4725826 (VCV004725826.1).